The following is an entry in ClinVar:

NM_015910.7(WDPCP):c.191A>C (p.Asp64Ala)

Gene: WDPCP (WD repeat containing planar cell polarity effector; minus strand). Cytogenetic location: 2p15.
Variant type: single nucleotide variant.
Coding change: c.191A>C on transcript NM_015910.7 (MANE Select); coding-DNA position 191, A replaced by C.
Protein change: p.Asp64Ala; replaces aspartic acid 64 with alanine.
Molecular consequence: missense variant. On other transcripts: non-coding transcript variant (2).
Genome position (GRCh38, 1-based): chr2:63,487,464, T>G on the plus strand (A>C on the coding strand, the complement: WDPCP is on the minus strand). VCF-style: chr2-63487464-T-G. GRCh37 (hg19) VCF-style: chr2-63714598-T-G.
Other names: c.119A>C, p.Asp40Ala (NM_001354044.2); c.191A>C, p.Asp64Ala (NM_001354045.2); short protein forms D40A, D64A.
Identifiers: ClinVar variation 3354877 (VCV003354877.2).

ClinVar aggregate classification (germline): Uncertain significance (1 of 4 stars; one submission).

Conditions:
WDPCP-related disorder. Also called: WDPCP-related condition.

gnomAD v4.1: 5 of 1,593,456 alleles (0.00031%); highest among the groups gnomAD compares: Non-Finnish European, 0.00043%; no homozygotes.

Submission:

PreventionGenetics, part of Exact Sciences
Classification: Uncertain significance for WDPCP-related condition. Last evaluated: 2025-09-08. Review status: criteria provided, single submitter. Criteria: ACMG Guidelines, 2015. Collection method: clinical testing. Allele origin: germline.
Comment: The WDPCP c.191A>C variant is predicted to result in the amino acid substitution p.Asp64Ala. To our knowledge, this variant has not been reported in the literature. This variant is reported in 0.0018% of alleles in individuals of European (Non-Finnish) descent in gnomAD. At this time, the clinical significance of this variant is uncertain due to the absence of conclusive functional and genetic evidence.